The following is an entry in ClinVar:

ClinVar aggregate classification (germline): Likely pathogenic (1 of 4 stars; one submission).

Allele frequency attached by ClinVar (database versions not stated): TOPMed below 0.00001.

Submission:

Labcorp Genetics (formerly Invitae), Labcorp
Classification: Likely pathogenic. Last evaluated: 2025-03-22. Review status: criteria provided, single submitter. Criteria: Invitae Variant Classification Sherloc (09022015). Collection method: clinical testing. Allele origin: germline.
Comment: This sequence change affects an acceptor splice site in intron 2 of the OCA2 gene. It is expected to disrupt RNA splicing. Variants that disrupt the donor or acceptor splice site typically lead to a loss of protein function (PMID: 16199547), and loss-of-function variants in OCA2 are known to be pathogenic (PMID: 19865097, 21541274). This variant is not present in population databases (gnomAD no frequency). This variant has not been reported in the literature in individuals affected with OCA2-related conditions. ClinVar contains an entry for this variant (Variation ID: 2978090). Algorithms developed to predict the effect of sequence changes on RNA splicing suggest that this variant may disrupt the consensus splice site. In summary, the currently available evidence indicates that the variant is pathogenic, but additional data are needed to prove that conclusively. Therefore, this variant has been classified as Likely Pathogenic.

Literature cited by the submitters: PubMed 16199547; PubMed 19865097; PubMed 21541274.

NM_000275.3(OCA2):c.228-2A>G

Gene: OCA2 (OCA2 melanosomal transmembrane protein; minus strand). Cytogenetic location: 15q13.1.
Variant type: single nucleotide variant.
Coding change: c.228-2A>G on transcript NM_000275.3 (MANE Select); the canonical splice acceptor site of the intron before coding-DNA position 228, A replaced by G.
Molecular consequence: splice acceptor variant.
Genome position (GRCh38, 1-based): chr15:28,032,165, T>C on the plus strand (A>G on the coding strand, the complement: OCA2 is on the minus strand). VCF-style: chr15-28032165-T-C. GRCh37 (hg19) VCF-style: chr15-28277311-T-C.
Other names: c.228-2A>G (NM_001300984.2).
Identifiers: ClinVar variation 2978090 (VCV002978090.3), dbSNP rs2042924766, ClinGen allele CA391363269.
Genomic context (GRCh38, chr15:28,032,165, plus strand): 5'-CTGTAAAGCAGGAATCTTTAGACCTGGAGCTGGACATCTGGGGCAAAGAAGAGTGAGACC[T>C]GAAAGAGACAGGGTAGGAAACAGAATCACCAACACAGAAATAATGTATGTGTTCCCAGCA-3'